The following is an entry in ClinVar:

ClinVar aggregate classification (germline): Uncertain significance. Review status: criteria provided, multiple submitters, no conflicts (2 of 4 stars). 3 submissions from 3 submitters: Uncertain significance (3). Last evaluated 2025-02-17.

Conditions:
Hereditary cancer-predisposing syndrome. Also called: Hereditary neoplastic syndrome; Tumor predisposition; Neoplastic Syndromes, Hereditary; Hereditary Cancer Syndrome. Identifiers: Orphanet 140162, MedGen C0027672, MeSH D009386, MONDO:0015356.
Ataxia-telangiectasia syndrome (AT). Also called: AT, COMPLEMENTATION GROUP C; Ataxia telangiectasia (A-T); Cerebello-oculocutaneous telangiectasia; Immunodeficiency with ataxia telangiectasia; LOUIS-BAR SYNDROME; Ataxia-telangiectasia. Identifiers: Orphanet 100, MedGen C0004135, MONDO:0008840, OMIM 208900.

Allele frequency attached by ClinVar (database versions not stated): gnomAD exomes below 0.00001; TOPMed below 0.00001.
gnomAD v4.1: 2 of 1,600,100 alleles (0.00012%); highest among the groups gnomAD compares: Non-Finnish European, 0.00017%; no homozygotes.

Submissions (3):

Labcorp Genetics (formerly Invitae), Labcorp
Classification: Uncertain significance for Ataxia-telangiectasia syndrome. Last evaluated: 2025-02-17. Review status: criteria provided, single submitter. Criteria: Invitae Variant Classification Sherloc (09022015). Collection method: clinical testing. Allele origin: germline.
Comment: This sequence change falls in intron 3 of the ATM gene. It does not directly change the encoded amino acid sequence of the ATM protein. It affects a nucleotide within the consensus splice site. This variant is present in population databases (no rsID available, gnomAD 0.0009%). This variant has not been reported in the literature in individuals affected with ATM-related conditions. ClinVar contains an entry for this variant (Variation ID: 963634). Variants that disrupt the consensus splice site are a relatively common cause of aberrant splicing (PMID: 17576681, 9536098). Studies have shown that this variant is associated with inconclusive levels of altered splicing (internal data). In summary, the available evidence is currently insufficient to determine the role of this variant in disease. Therefore, it has been classified as a Variant of Uncertain Significance.

Ambry Genetics
Classification: Uncertain significance for Hereditary cancer-predisposing syndrome. Last evaluated: 2024-03-15. Review status: criteria provided, single submitter. Criteria: Ambry Variant Classification Scheme 2023. Collection method: clinical testing. Allele origin: germline.
Comment: The c.185+3A>G intronic variant results from an A to G substitution 3 nucleotides after coding exon 2 in the ATM gene. This nucleotide position is highly conserved in available vertebrate species. In silico splice site analysis for this alteration is inconclusive and direct evidence is insufficient at this time (Ambry internal data). Based on the available evidence, the clinical significance of this alteration remains unclear.

GeneDx
Classification: Uncertain significance. Last evaluated: 2020-11-17. Review status: criteria provided, single submitter. Criteria: GeneDx Variant Classification Process June 2021. Collection method: clinical testing. Allele origin: germline. Affected: yes.
Comment: Not observed at a significant frequency in large population cohorts (Lek et al., 2016); Has not been previously published as pathogenic or benign to our knowledge; In-silico analysis is inconclusive as to whether the variant alters gene splicing. In the absence of RNA/functional studies, the actual effect of this sequence change is unknown

Literature cited by the submitters: PubMed 17576681 (cited by Labcorp Genetics (formerly Invitae), Labcorp); PubMed 9536098 (cited by Labcorp Genetics (formerly Invitae), Labcorp).

NM_000051.4(ATM):c.185+3A>G

Gene: ATM (ATM serine/threonine kinase; plus strand). Cytogenetic location: 11q22.3.
Variant type: single nucleotide variant.
Coding change: c.185+3A>G on transcript NM_000051.4 (MANE Select); 3 bases into the intron after coding-DNA position 185, A replaced by G.
Molecular consequence: intron variant.
Genome position (GRCh38, 1-based): chr11:108,227,891, A>G. VCF-style: chr11-108227891-A-G. GRCh37 (hg19) VCF-style: chr11-108098618-A-G.
Other names: c.185+3A>G (NM_001351834.2, NM_001351835.2, NM_001351836.2).
Identifiers: ClinVar variation 963634 (VCV000963634.7), dbSNP rs1372755571, ClinGen allele CA601693777.